The following is an entry in ClinVar:

ClinVar aggregate classification (germline): Uncertain significance. Review status: criteria provided, multiple submitters, no conflicts (2 of 4 stars). 2 submissions from 2 submitters: Uncertain significance (2). Last evaluated 2023-05-09.

Conditions:
Emery-Dreifuss muscular dystrophy 4, autosomal dominant (EDMD4). Also called: EMERY-DREIFUSS MUSCULAR DYSTROPHY 4 WITH VARIABLE FEATURES. Identifiers: Orphanet 261, MedGen C2751807, MONDO:0013071, OMIM 612998.
Autosomal recessive ataxia, Beauce type. Also called: Spinocerebellar ataxia, autosomal recessive 8; ATAXIA, RECESSIVE, OF BEAUCE; SYNE1 Deficiency; SYNE1-Related Autosomal Recessive Cerebellar Ataxia. Identifiers: Orphanet 88644, MedGen C1853116, MONDO:0012549, OMIM 610743.

Allele frequency attached by ClinVar (database versions not stated): gnomAD 0.00001; ExAC 0.00002; gnomAD exomes 0.00002 and 0.00004; TOPMed 0.00002.
gnomAD v4.1: 54 of 1,614,242 alleles (0.0033%); highest among the groups gnomAD compares: Non-Finnish European, 0.0043%; no homozygotes.

Submissions (2):

Labcorp Genetics (formerly Invitae), Labcorp
Classification: Uncertain significance for Emery-Dreifuss muscular dystrophy 4, autosomal dominant; Autosomal recessive ataxia, Beauce type. Last evaluated: 2023-05-09. Review status: criteria provided, single submitter. Criteria: Invitae Variant Classification Sherloc (09022015). Collection method: clinical testing. Allele origin: germline.
Comment: In summary, the available evidence is currently insufficient to determine the role of this variant in disease. Therefore, it has been classified as a Variant of Uncertain Significance. An algorithm developed to predict the effect of missense changes on protein structure and function (PolyPhen-2) suggests that this variant is likely to be disruptive. ClinVar contains an entry for this variant (Variation ID: 1056648). This variant has not been reported in the literature in individuals affected with SYNE1-related conditions. This variant is present in population databases (rs543437113, gnomAD 0.004%). This sequence change replaces histidine, which is basic and polar, with arginine, which is basic and polar, at codon 442 of the SYNE1 protein (p.His442Arg).

Revvity Omics, Revvity
Classification: Uncertain significance. Last evaluated: 2023-01-03. Review status: criteria provided, single submitter. Criteria: ACMG Guidelines, 2015. Collection method: clinical testing. Allele origin: germline.

NM_182961.4(SYNE1):c.1304A>G (p.His435Arg)

Gene: SYNE1 (spectrin repeat containing nuclear envelope protein 1; minus strand). Cytogenetic location: 6q25.2.
Variant type: single nucleotide variant.
Coding change: c.1304A>G on transcript NM_182961.4 (MANE Select); coding-DNA position 1304, A replaced by G.
Protein change: p.His435Arg; replaces histidine 435 with arginine.
Molecular consequence: missense variant.
Genome position (GRCh38, 1-based): chr6:152,483,131, T>C on the plus strand (A>G on the coding strand, the complement: SYNE1 is on the minus strand). VCF-style: chr6-152483131-T-C. GRCh37 (hg19) VCF-style: chr6-152804266-T-C.
Other names: c.1325A>G (NM_033071.3); c.1325A>G, p.His442Arg (NM_033071.5); short protein forms H435R, H442R.
Identifiers: ClinVar variation 1056648 (VCV001056648.10), dbSNP rs543437113, ClinGen allele CA4059465.